The following is an entry in ClinVar:

NM_144498.4(OSBPL2):c.323C>T (p.Thr108Met)

Gene: OSBPL2 (oxysterol binding protein like 2; plus strand). Cytogenetic location: 20q13.33.
Variant type: single nucleotide variant.
Coding change: c.323C>T on transcript NM_144498.4 (MANE Select); coding-DNA position 323, C replaced by T.
Protein change: p.Thr108Met; replaces threonine 108 with methionine.
Molecular consequence: missense variant.
Genome position (GRCh38, 1-based): chr20:62,272,189, C>T. VCF-style: chr20-62272189-C-T. GRCh37 (hg19) VCF-style: chr20-60847245-C-T.
Other names: c.47C>T, p.Thr16Met (NM_001278649.3, NM_001363878.2); c.287C>T, p.Thr96Met (NM_014835.5); short protein forms T108M, T16M, T96M.
Identifiers: ClinVar variation 3346130 (VCV003346130.1).
Genomic context (GRCh38, chr20:62,272,189, plus strand): 5'-TGTCCAAGATCACGATGCCAATCGCCTTCAACGAGCCTCTGAGCTTCTTGCAGCGGATCA[C>T]GGAGTACATGGAGCACGTGTACCTCATCCACAGGGCCTCCTGCCAGCCCCAGCCCCTGGA-3'
Protein context (NP_653081.1, residues 98-118): NEPLSFLQRI[Thr108Met]EYMEHVYLIH

ClinVar aggregate classification (germline): Uncertain significance (0 of 4 stars; one submission).

Conditions:
OSBPL2-related disorder. Also called: OSBPL2-related condition.

gnomAD v4.1: 4 of 1,613,880 alleles (0.00025%); highest among the groups gnomAD compares: Non-Finnish European, 0.00034%; no homozygotes.

Submission:

PreventionGenetics, part of Exact Sciences
Classification: Uncertain significance for OSBPL2-related condition. Last evaluated: 2024-09-06. Review status: no assertion criteria provided. Collection method: clinical testing. Allele origin: germline.
Comment: The OSBPL2 c.323C>T variant is predicted to result in the amino acid substitution p.Thr108Met. To our knowledge, this variant has not been reported in the literature or in a large population database, indicating this variant is rare. At this time, the clinical significance of this variant is uncertain due to the absence of conclusive functional and genetic evidence.